The following is an entry in ClinVar:

NM_004006.3(DMD):c.7542+1G>A

Gene: DMD (dystrophin; minus strand). Cytogenetic location: Xp21.1.
Variant type: single nucleotide variant.
Coding change: c.7542+1G>A on transcript NM_004006.3 (MANE Select); the canonical splice donor site of the intron after coding-DNA position 7542, G replaced by A.
Molecular consequence: splice donor variant.
Genome position (GRCh38, 1-based): chrX:31,773,959, C>T on the plus strand (G>A on the coding strand, the complement: DMD is on the minus strand). VCF-style: chrX-31773959-C-T. GRCh37 (hg19) VCF-style: chrX-31792076-C-T.
Other names: c.7518+1G>A (NM_000109.4); c.3519+1G>A (NM_004011.4); c.3510+1G>A (NM_004012.4); c.162+1G>A (NM_004023.3, NM_004020.4, NM_004022.3 and 2 more transcripts); c.7530+1G>A (NM_004009.3); c.7173+1G>A (NM_004010.3).
Identifiers: ClinVar variation 1458670 (VCV001458670.9), dbSNP rs2149244412, ClinGen allele CA412658570.

ClinVar aggregate classification (germline): Pathogenic. Review status: criteria provided, multiple submitters, no conflicts (2 of 4 stars). 2 submissions from 2 submitters: Pathogenic (2). Last evaluated 2025-03-21.

Conditions:
Duchenne muscular dystrophy (DMD). Also called: Duchenne Muscular Dystrophy (DMD); MUSCULAR DYSTROPHY, PSEUDOHYPERTROPHIC PROGRESSIVE, DUCHENNE TYPE. Identifiers: Orphanet 98896, MedGen C0013264, MONDO:0010679, OMIM 310200.

Submissions (2):

3billion
Classification: Pathogenic for Duchenne muscular dystrophy. Last evaluated: 2025-03-21. Review status: criteria provided, single submitter. Criteria: ACMG Guidelines, 2015. Collection method: clinical testing. Allele origin: germline. Affected: yes.
Comment: The variant is not observed in the gnomAD v4.1.0 dataset.Predicted Consequence/Location: Canonical splice site: predicted to alter splicing and result in a loss or disruption of normal protein function. Multiple pathogenic loss-of-function variants are reported downstream of the variant. The variant has been reported to be associated with DMD-related disorder (ClinVar ID: VCV001458670 / PMID: 9628192). Therefore, this variant is classified as Pathogenic according to the recommendation of ACMG/AMP guideline.

Labcorp Genetics (formerly Invitae), Labcorp
Classification: Pathogenic for Duchenne muscular dystrophy. Last evaluated: 2021-03-26. Review status: criteria provided, single submitter. Criteria: Invitae Variant Classification Sherloc (09022015). Collection method: clinical testing. Allele origin: germline.
Comment: This variant is not present in population databases (ExAC no frequency). Disruption of this splice site has been observed in individual(s) with DMD-related conditions (PMID: 17041906, 9628192). Algorithms developed to predict the effect of sequence changes on RNA splicing suggest that this variant may disrupt the consensus splice site, but this prediction has not been confirmed by published transcriptional studies. For these reasons, this variant has been classified as Pathogenic. This sequence change affects a donor splice site in intron 51 of the DMD gene. It is expected to disrupt RNA splicing. Variants that disrupt the donor or acceptor splice site typically lead to a loss of protein function (PMID: 16199547), and loss-of-function variants in DMD are known to be pathogenic (PMID: 16770791, 25007885).

Literature cited by the submitters: PubMed 9628192 (cited by 3billion and Labcorp Genetics (formerly Invitae), Labcorp); PubMed 17041906 (cited by Labcorp Genetics (formerly Invitae), Labcorp); PubMed 16199547 (cited by Labcorp Genetics (formerly Invitae), Labcorp); PubMed 16770791 (cited by Labcorp Genetics (formerly Invitae), Labcorp); PubMed 25007885 (cited by Labcorp Genetics (formerly Invitae), Labcorp).